The following is an entry in ClinVar:

NM_024741.3(ZNF408):c.786T>G (p.Asp262Glu)

Gene: ZNF408 (zinc finger protein 408; plus strand). Cytogenetic location: 11p11.2.
Variant type: single nucleotide variant.
Coding change: c.786T>G on transcript NM_024741.3 (MANE Select); coding-DNA position 786, T replaced by G.
Protein change: p.Asp262Glu; replaces aspartic acid 262 with glutamic acid.
Molecular consequence: missense variant.
Genome position (GRCh38, 1-based): chr11:46,704,486, T>G. VCF-style: chr11-46704486-T-G. GRCh37 (hg19) VCF-style: chr11-46726036-T-G.
Other names: c.762T>G, p.Asp254Glu (NM_001184751.2); c.786T>G (NM_024741.2); short protein forms D254E, D262E.
Identifiers: ClinVar variation 1061372 (VCV001061372.10), dbSNP rs377281336, ClinGen allele CA380254169.
Genomic context (GRCh38, chr11:46,704,486, plus strand): 5'-GGACCGAATTTCCAAGGATAGCCAGCCACTTGGCCCATTGCTTCAGGATGGCGACGTGGA[T>G]GAGGAATGCCCGGCCCAGGCACAGATGCCACCTGAACTTCAGAGCAATTCGGCTACCCAG-3'
Protein context (NP_079017.1, residues 252-272): LGPLLQDGDV[Asp262Glu]EECPAQAQMP

ClinVar aggregate classification (germline): Uncertain significance. Review status: criteria provided, multiple submitters, no conflicts (2 of 4 stars). 2 submissions from 2 submitters: Uncertain significance (2). Last evaluated 2025-11-11.

Conditions:
Inborn genetic diseases. Identifiers: MedGen C0950123, MeSH D030342.

Submissions (2):

Ambry Genetics
Classification: Uncertain significance for Inborn genetic diseases. Last evaluated: 2025-11-11. Review status: criteria provided, single submitter. Criteria: Ambry Variant Classification Scheme 2023. Collection method: clinical testing. Allele origin: germline.

Labcorp Genetics (formerly Invitae), Labcorp
Classification: Uncertain significance. Last evaluated: 2025-03-07. Review status: criteria provided, single submitter. Criteria: Invitae Variant Classification Sherloc (09022015). Collection method: clinical testing. Allele origin: germline.
Comment: This sequence change replaces aspartic acid, which is acidic and polar, with glutamic acid, which is acidic and polar, at codon 262 of the ZNF408 protein (p.Asp262Glu). This variant is not present in population databases (gnomAD no frequency). This variant has not been reported in the literature in individuals affected with ZNF408-related conditions. ClinVar contains an entry for this variant (Variation ID: 1061372). An algorithm developed to predict the effect of missense changes on protein structure and function outputs the following: PolyPhen-2: "Benign". The glutamic acid amino acid residue is found in multiple mammalian species, which suggests that this missense change does not adversely affect protein function. In summary, the available evidence is currently insufficient to determine the role of this variant in disease. Therefore, it has been classified as a Variant of Uncertain Significance.